The following is an entry in ClinVar:

GRCh38/hg38 2q22.3(chr2:144500115-144728038)x1

Genes: LINC01412 (long intergenic non-protein coding RNA 1412; plus strand), LINC02993 (long intergenic non-protein coding RNA 2993; minus strand), TEX41 (testis expressed 41; plus strand), ZEB2 (zinc finger E-box binding homeobox 2; minus strand), ZEB2-AS1 (ZEB2 antisense RNA 1; plus strand) and 1 more. Cytogenetic location: 2q22.3.
Variant type: copy number loss.
Change: copy number 1 (one copy instead of two) of chr2:144,500,115-144,728,038 (227.9 kb, GRCh38 coordinates, 1-based), cytogenetic band 2q22.3.
Identifiers: ClinVar variation 57256 (VCV000057256.1).

ClinVar aggregate classification (germline): Pathogenic (1 of 4 stars; one submission).

Submission:

ISCA site 4
Classification: Pathogenic. Last evaluated: 2011-08-12. Review status: criteria provided, single submitter. Criteria: Kaminsky et al. (Genet Med. 2011). Collection method: clinical testing. Allele origin: unknown. Affected: yes. Observed: 1 variant allele.
Comment: Copy number variation identified through the course of routine clinical cytogenomic testing in postnatal populations. Clinical assertions have been curated as described in Kaminsky et al. 2011.